The following is an entry in ClinVar:

NM_174936.4(PCSK9):c.781G>C (p.Val261Leu)

Gene: PCSK9 (proprotein convertase subtilisin/kexin type 9; plus strand). Cytogenetic location: 1p32.3.
Variant type: single nucleotide variant.
Coding change: c.781G>C on transcript NM_174936.4 (MANE Select); coding-DNA position 781, G replaced by C.
Protein change: p.Val261Leu; replaces valine 261 with leucine.
Molecular consequence: missense variant.
Genome position (GRCh38, 1-based): chr1:55,052,773, G>C. VCF-style: chr1-55052773-G-C. GRCh37 (hg19) VCF-style: chr1-55518446-G-C.
Other names: c.904G>C, p.Val302Leu (NM_001407240.1); c.781G>C, p.Val261Leu (NM_001407241.1, NM_001407244.1, NM_001407247.1); c.784G>C, p.Val262Leu (NM_001407242.1); c.724G>C, p.Val242Leu (NM_001407243.1); c.589G>C, p.Val197Leu (NM_001407245.1); c.406G>C, p.Val136Leu (NM_001407246.1); short protein forms V261L, V242L, V197L, V262L, V136L, V302L.
Identifiers: ClinVar variation 918340 (VCV000918340.5), dbSNP rs1644685409, ClinGen allele CA340474210.

ClinVar aggregate classification (germline): Uncertain significance (1 of 4 stars; one submission).

Conditions:
Familial hypercholesterolemia. Also called: Familial hypercholesterolaemia. Identifiers: MedGen C0020445, MONDO:0005439.

Allele frequency attached by ClinVar (database versions not stated): gnomAD 0.00001.
gnomAD v4.1: 1 of 1,613,024 alleles (0.000062%); highest among the groups gnomAD compares: Admixed American, 0.0017%; no homozygotes.

Submission:

Color Diagnostics, LLC DBA Color Health
Classification: Uncertain significance for Familial hypercholesterolemia. Last evaluated: 2024-03-07. Review status: criteria provided, single submitter. Criteria: ACMG Guidelines, 2015. Collection method: clinical testing. Allele origin: germline.
Comment: This missense variant replaces valine with leucine at codon 261 of the PCSK9 protein. Computational prediction suggests that this variant may not impact protein structure and function (internally defined REVEL score threshold <= 0.5, PMID: 27666373). Splice site prediction tools suggest that this variant may not impact RNA splicing. To our knowledge, functional studies have not been performed for this variant. This variant has not been reported in individuals affected with familial hypercholesterolemia in the literature. This variant has not been identified in the general population by the Genome Aggregation Database (gnomAD). The available evidence is insufficient to determine the role of this variant in disease conclusively. Therefore, this variant is classified as a Variant of Uncertain Significance.